The following is an entry in ClinVar:

NM_001369.3(DNAH5):c.8772C>T (p.Ala2924=)

Gene: DNAH5 (dynein axonemal heavy chain 5; minus strand). Cytogenetic location: 5p15.2.
Variant type: single nucleotide variant.
Coding change: c.8772C>T on transcript NM_001369.3 (MANE Select); coding-DNA position 8772, C replaced by T.
Protein change: p.Ala2924=; no amino-acid change (alanine 2924 retained).
Molecular consequence: synonymous variant.
Genome position (GRCh38, 1-based): chr5:13,786,227, G>A on the plus strand (C>T on the coding strand, the complement: DNAH5 is on the minus strand). VCF-style: chr5-13786227-G-A. GRCh37 (hg19) VCF-style: chr5-13786336-G-A.
Identifiers: ClinVar variation 764130 (VCV000764130.16), dbSNP rs552458966, ClinGen allele CA3202741.

ClinVar aggregate classification (germline): Likely benign. Review status: criteria provided, multiple submitters, no conflicts (2 of 4 stars). 5 submissions from 5 submitters: Likely benign (3). 2 of the submissions do not count toward it. Last evaluated 2025-07-03.

Conditions:
Primary ciliary dyskinesia. Also called: Ciliary dyskinesia. Identifiers: Orphanet 244, MedGen C0008780, MONDO:0016575, HP:0012265.
DNAH5-related disorder. Also called: DNAH5-related condition.

Allele frequency attached by ClinVar (database versions not stated): gnomAD 0.00002 and 0.00003; TOPMed 0.00002; gnomAD exomes 0.00003 and 0.00006; ExAC 0.00007; 1000 Genomes Project 30x 0.00031; 1000 Genomes Project 0.00040.
gnomAD v4.1: 50 of 1,613,984 alleles (0.0031%); highest among the groups gnomAD compares: South Asian, 0.019%; no homozygotes.

Submissions (5):

Ambry Genetics
Classification: Likely benign for Primary ciliary dyskinesia. Last evaluated: 2025-07-03. Review status: criteria provided, single submitter. Criteria: Ambry Variant Classification Scheme 2023. Collection method: clinical testing. Allele origin: germline.

Labcorp Genetics (formerly Invitae), Labcorp
Classification: Likely benign for Primary ciliary dyskinesia. Last evaluated: 2025-06-17. Review status: criteria provided, single submitter. Criteria: Invitae Variant Classification Sherloc (09022015). Collection method: clinical testing. Allele origin: germline.

Women's Health and Genetics/Laboratory Corporation of America, LabCorp
Classification: Likely benign. Last evaluated: 2025-03-28. Review status: criteria provided, single submitter. Criteria: LabCorp Variant Classification Summary - May 2015. Collection method: clinical testing. Allele origin: germline.

Natera, Inc.
Classification: Likely benign for Primary ciliary dyskinesia. Last evaluated: 2020-05-01. Review status: no assertion criteria provided. Collection method: clinical testing. Allele origin: germline. Not counted in ClinVar's aggregate classification.

PreventionGenetics, part of Exact Sciences
Classification: Likely benign for DNAH5-related condition. Last evaluated: 2019-06-25. Review status: no assertion criteria provided. Collection method: clinical testing. Allele origin: germline. Not counted in ClinVar's aggregate classification.
Comment: This variant is classified as likely benign based on ACMG/AMP sequence variant interpretation guidelines (Richards et al. 2015 PMID: 25741868, with internal and published modifications).